The following is an entry in ClinVar:

NM_001080510.5(METTL23):c.149_150dup (p.Asp51fs)

Gene: METTL23 (methyltransferase 23, arginine; plus strand). Cytogenetic location: 17q25.1.
Variant type: Duplication.
Coding change: c.149_150dup on transcript NM_001080510.5 (MANE Select); coding-DNA positions 149 to 150, 2 bases duplicated (CA; older notation c.149_150dupCA).
Protein change: p.Asp51fs; shifts the reading frame from aspartic acid 51.
Molecular consequence: frameshift variant. On other transcripts: 5 prime UTR variant (5).
Genome position (GRCh38, 1-based): chr17:76,733,042-76,733,043, CA duplicated. VCF-style (leftmost placement, unchanged base first): chr17-76733041-T-TCA. GRCh37 (hg19) VCF-style: chr17-74729123-T-TCA.
Other names: c.149_150dup, p.Asp51fs (NM_001206983.3, NM_001206984.3, NM_001302703.2 and 2 more transcripts); c.-53_-52dup (NM_001206985.3, NM_001206986.3, NM_001206987.3 and 2 more transcripts); c.137_138dup, p.Asp47fs (NM_001302705.2, NM_001378350.1, NM_001378351.1 and 2 more transcripts); short protein forms D47fs, D51fs.
Identifiers: ClinVar variation 1071733 (VCV001071733.7), dbSNP rs2143867385, ClinGen allele CA2499224959.

ClinVar aggregate classification (germline): Pathogenic (1 of 4 stars; one submission).

Submission:

Labcorp Genetics (formerly Invitae), Labcorp
Classification: Pathogenic. Last evaluated: 2017-10-27. Review status: criteria provided, single submitter. Criteria: Invitae Variant Classification Sherloc (09022015). Collection method: clinical testing. Allele origin: germline.
Comment: For these reasons, this variant has been classified as Pathogenic. Loss-of-function variants in METTL23 are known to be pathogenic (PMID: 24501276, 24626631). This variant has not been reported in the literature in individuals with METTL23-related disease. This variant is not present in population databases (ExAC no frequency). This sequence change creates a premature translational stop signal (p.Asp51Glnfs*19) in the METTL23 gene. It is expected to result in an absent or disrupted protein product.

Literature cited by the submitters: PubMed 24501276; PubMed 24626631.